The following is an entry in ClinVar:

NM_006343.3(MERTK):c.2873C>T (p.Pro958Leu)

Gene: MERTK (MER proto-oncogene, tyrosine kinase; plus strand). Cytogenetic location: 2q13.
Variant type: single nucleotide variant.
Coding change: c.2873C>T on transcript NM_006343.3 (MANE Select); coding-DNA position 2873, C replaced by T.
Protein change: p.Pro958Leu; replaces proline 958 with leucine.
Molecular consequence: missense variant.
Genome position (GRCh38, 1-based): chr2:112,028,737, C>T. VCF-style: chr2-112028737-C-T. GRCh37 (hg19) VCF-style: chr2-112786314-C-T.
Other names: short protein forms P958L.
Identifiers: ClinVar variation 624146 (VCV000624146.47), dbSNP rs201460398, ClinGen allele CA1831993.

ClinVar aggregate classification (germline): Conflicting classifications of pathogenicity. Review status: criteria provided, conflicting classifications (1 of 4 stars). 3 submissions from 3 submitters: Uncertain significance (2); Likely benign (1). Last evaluated 2024-11-13.

Allele frequency attached by ClinVar (database versions not stated): ExAC 0.00003; gnomAD exomes 0.00003; gnomAD 0.00005; TOPMed 0.00008; 1000 Genomes Project 30x 0.00016; 1000 Genomes Project 0.00020.
gnomAD v4.1: 45 of 1,614,102 alleles (0.0028%); highest among the groups gnomAD compares: African/African-American, 0.019%; no homozygotes.

Submissions (3):

Blueprint Genetics
Classification: Likely benign. Last evaluated: 2024-11-13. Review status: criteria provided, single submitter. Criteria: ACMG Guidelines, 2015. Collection method: clinical testing. Allele origin: germline.

Labcorp Genetics (formerly Invitae), Labcorp
Classification: Uncertain significance. Last evaluated: 2023-05-22. Review status: criteria provided, single submitter. Criteria: Invitae Variant Classification Sherloc (09022015). Collection method: clinical testing. Allele origin: germline.
Comment: In summary, the available evidence is currently insufficient to determine the role of this variant in disease. Therefore, it has been classified as a Variant of Uncertain Significance. Algorithms developed to predict the effect of missense changes on protein structure and function output the following: SIFT: "Not Available"; PolyPhen-2: "Benign"; Align-GVGD: "Not Available". The leucine amino acid residue is found in multiple mammalian species, which suggests that this missense change does not adversely affect protein function. ClinVar contains an entry for this variant (Variation ID: 624146). This missense change has been observed in individual(s) with Leber congenital amaurosis (PMID: 21602930). This variant is present in population databases (rs201460398, gnomAD 0.02%). This sequence change replaces proline, which is neutral and non-polar, with leucine, which is neutral and non-polar, at codon 958 of the MERTK protein (p.Pro958Leu).

CeGaT Center for Human Genetics Tuebingen
Classification: Uncertain significance. Last evaluated: 2018-06-01. Review status: criteria provided, single submitter. Criteria: CeGaT Center For Human Genetics Tuebingen Variant Classification Criteria Version 2. Collection method: clinical testing. Allele origin: germline. Affected: yes. Observed: 1 variant allele.

Literature cited by the submitters: PubMed 21602930 (cited by Labcorp Genetics (formerly Invitae), Labcorp).